The following is an entry in ClinVar:

NM_005591.4(MRE11):c.1667A>G (p.Asn556Ser)

Gene: MRE11 (MRE11 double strand break repair nuclease; minus strand). Cytogenetic location: 11q21.
Variant type: single nucleotide variant.
Coding change: c.1667A>G on transcript NM_005591.4 (MANE Select); coding-DNA position 1667, A replaced by G.
Protein change: p.Asn556Ser; replaces asparagine 556 with serine.
Molecular consequence: missense variant.
Genome position (GRCh38, 1-based): chr11:94,447,335, T>C on the plus strand (A>G on the coding strand, the complement: MRE11 is on the minus strand). VCF-style: chr11-94447335-T-C. GRCh37 (hg19) VCF-style: chr11-94180501-T-C.
Other names: c.1667A>G, p.Asn556Ser (NM_001330347.2, NM_005590.4); short protein forms N556S.
Identifiers: ClinVar variation 142425 (VCV000142425.42), dbSNP rs144896235, ClinGen allele CA333255.
Genomic context (GRCh38, chr11:94,447,335, plus strand): 5'-CGACCTCTTCCTCGGCCTCTTCCTTTGTTGGTTGCTGCTGAGATGCTATCATCAGAGTCA[T>C]TAGCCATCTGTTCTGCTAAATCTATACTCATAAGGTCATCAGCACTAAAGGCAGAAGCAG-3'
Protein context (NP_005582.1, residues 546-566): MSIDLAEQMA[Asn556Ser]DSDDSISAAT

ClinVar aggregate classification (germline): Conflicting classifications of pathogenicity. Review status: criteria provided, conflicting classifications (1 of 4 stars). 12 submissions from 12 submitters: Uncertain significance (8); Likely benign (3). 1 of the submissions does not count toward it. Last evaluated 2025-03-25.

Conditions:
Ataxia-telangiectasia-like disorder (ATLD). Identifiers: MedGen C1858391, MONDO:0011457.
MRE11-related disorder. Also called: MRE11-related condition.
Hereditary cancer-predisposing syndrome. Also called: Neoplastic Syndromes, Hereditary; Hereditary Cancer Syndrome; Tumor predisposition; Hereditary neoplastic syndrome. Identifiers: Orphanet 140162, MedGen C0027672, MeSH D009386, MONDO:0015356.
Ataxia-telangiectasia-like disorder 1 (ATLD1). Identifiers: Orphanet 251347, MedGen C4012790, MONDO:0024557, OMIM 604391.

Allele frequency attached by ClinVar (database versions not stated): gnomAD exomes 0.00012 and 0.00014; TOPMed 0.00012; gnomAD 0.00017 and 0.00018; ExAC 0.00019; ESP Exome Variant Server 0.00046.
gnomAD v4.1: 235 of 1,614,134 alleles (0.015%); highest among the groups gnomAD compares: Middle Eastern, 0.033%; no homozygotes.

Submissions (13):

Dasa
Classification: Uncertain significance. Last evaluated: 2025-03-25. Review status: criteria provided, single submitter. Criteria: DASA Assertion Criteria. Collection method: clinical testing. Allele origin: germline.
Comment: NM_005591.4(MRE11):c.1667A>G (p.Asn556Ser) is a missense variant that results in the substitution of asparagine with serine. This variant is rare in population databases. Computational prediction algorithms are consistent with a benign effect. The currently available literature and clinical evidence are not sufficient to establish a definitive association between this variant and the reported condition. Therefore, this variant is classified as a variant of uncertain significance.

Labcorp Genetics (formerly Invitae), Labcorp
Classification: Uncertain significance for Ataxia-telangiectasia-like disorder. Last evaluated: 2024-10-24. Review status: criteria provided, single submitter. Criteria: Invitae Variant Classification Sherloc (09022015). Collection method: clinical testing. Allele origin: germline.
Comment: This sequence change replaces asparagine, which is neutral and polar, with serine, which is neutral and polar, at codon 556 of the MRE11 protein (p.Asn556Ser). This variant is present in population databases (rs144896235, gnomAD 0.03%). This missense change has been observed in individual(s) with breast cancer (PMID: 24894818). ClinVar contains an entry for this variant (Variation ID: 142425). An algorithm developed to predict the effect of missense changes on protein structure and function (PolyPhen-2) suggests that this variant¬†is likely to be tolerated. In summary, the available evidence is currently insufficient to determine the role of this variant in disease. Therefore, it has been classified as a Variant of Uncertain Significance.

Blueprint Genetics
Classification: Likely benign. Last evaluated: 2024-10-07. Review status: criteria provided, single submitter. Criteria: ACMG Guidelines, 2015. Collection method: clinical testing. Allele origin: germline.

Baylor Genetics
Classification: Uncertain significance for Ataxia-telangiectasia-like disorder 1. Last evaluated: 2024-01-22. Review status: criteria provided, single submitter. Criteria: ACMG Guidelines, 2015. Collection method: clinical testing. Allele origin: unknown.

Ambry Genetics
Classification: Uncertain significance for Hereditary cancer-predisposing syndrome. Last evaluated: 2023-06-19. Review status: criteria provided, single submitter. Criteria: Ambry Variant Classification Scheme 2023. Collection method: clinical testing. Allele origin: germline.
Comment: The p.N556S variant (also known as c.1667A>G), located in coding exon 14 of the MRE11A gene, results from an A to G substitution at nucleotide position 1667. The asparagine at codon 556 is replaced by serine, an amino acid with highly similar properties. This variant was reported in 5/1313 early-onset breast cancer cases and 0/1123 population controls (Damiola F et al. Breast Cancer Res. 2014 Jun;16:R58). This amino acid position is poorly conserved in available vertebrate species. In addition, this alteration is predicted to be tolerated by in silico analysis. Since supporting evidence is limited at this time, the clinical significance of this alteration remains unclear.

Sema4
Classification: Uncertain significance for Hereditary cancer-predisposing syndrome. Last evaluated: 2021-11-16. Review status: criteria provided, single submitter. Criteria: Sema4 Curation Guidelines. Collection method: curation. Allele origin: germline.
Comment: The MRE11 c.1667A>G (p.N556S) variant has been reported in heterozygosity in at least one individual with breast cancer (PMID: 24894818). In a case-control study, the variant was observed in 23/60,466 breast cancer cases and 22/53,461 controls (PMID: 33471991). It was observed in 30/128986 chromosomes of the Non-Finnish European subpopulation, with no homozygotes, in the large and broad cohorts of the Genome Aggregation Database (PMID: 32461654). The variant has been reported in ClinVar (Variation ID 142425). Functional studies have not been performed, and in silico predictions of the variant's effect on protein function are inconclusive. The evidence is insufficient to meet ACMG/AMP criteria for classifying the variant as benign or pathogenic. Thus, the clinical significance of this variant is currently uncertain.

Department of Pathology and Laboratory Medicine, Sinai Health System
Classification: Uncertain significance for Ataxia-telangiectasia-like disorder 1. Last evaluated: 2021-08-23. Review status: criteria provided, single submitter. Criteria: ACMG Guidelines, 2015. Collection method: research. Allele origin: germline.

Athena Diagnostics
Classification: Likely benign. Last evaluated: 2019-11-22. Review status: criteria provided, single submitter. Criteria: Athena Diagnostics Criteria. Collection method: clinical testing. Allele origin: unknown.

Quest Diagnostics Nichols Institute San Juan Capistrano
Classification: Likely benign. Last evaluated: 2019-11-22. Review status: criteria provided, single submitter. Criteria: Quest Diagnostics criteria. Collection method: clinical testing. Allele origin: unknown.

Illumina Laboratory Services, Illumina
Classification: Uncertain significance for Ataxia-telangiectasia-like disorder 1. Last evaluated: 2018-01-13. Review status: criteria provided, single submitter. Criteria: ICSL Variant Classification Criteria 13 December 2019. Collection method: clinical testing. Allele origin: germline.

Fulgent Genetics
Classification: Uncertain significance for Ataxia-telangiectasia-like disorder 1. Last evaluated: 2017-05-23. Review status: criteria provided, single submitter. Criteria: ACMG Guidelines, 2015. Collection method: clinical testing. Allele origin: unknown.

PreventionGenetics, part of Exact Sciences
Classification: Uncertain significance for MRE11-related condition. Last evaluated: 2023-11-06. Review status: no assertion criteria provided. Collection method: clinical testing. Allele origin: germline. Not counted in ClinVar's aggregate classification.
Comment: The MRE11 c.1667A>G variant is predicted to result in the amino acid substitution p.Asn556Ser. This variant was reported in five cases of early onset breast cancer (diagnosed at or before age 45) and was absent in controls in this cohort study (Damiola F et al 2014. PubMed ID: 24894818). This variant was also reported as a variant of uncertain significance in an individual with hepatoblastoma (Table 3 Aguiar et al 2022. PubMed ID: 35495172). This variant is reported in 0.023% of alleles in individuals of European (Non-Finnish) descent in gnomAD and is reported in ClinVar by most other laboratories as uncertain. At this time, the clinical significance of this variant is uncertain due to the absence of conclusive functional and genetic evidence.

Dr. Peter K. Rogan Lab, Western University
No classification provided (evidence only). Condition: Malignant tumor of urinary bladder. Review status: no classification provided. Collection method: in vitro. Allele origin: not applicable. Functional consequence: retained intron. Not counted in ClinVar's aggregate classification.

Literature cited by the submitters: PubMed 24894818 (cited by 4 submitters); PubMed 33471991 (cited by Sema4 and Quest Diagnostics Nichols Institute San Juan Capistrano); PubMed 35495172 (cited by Quest Diagnostics Nichols Institute San Juan Capistrano).